The following is an entry in ClinVar:

ClinVar aggregate classification (germline): Benign (1 of 4 stars; one submission).

Allele frequency attached by ClinVar (database versions not stated): gnomAD 0.38780; TOPMed 0.37691; 1000 Genomes Project 0.31589; 1000 Genomes Project 30x 0.32324.
gnomAD v4.1: 58,673 of 152,100 alleles (39%); highest among the groups gnomAD compares: Middle Eastern, 53%; 11,700 homozygotes.

Submission:

GeneDx
Classification: Benign. Last evaluated: 2018-06-14. Review status: criteria provided, single submitter. Criteria: GeneDx Variant Classification (06012015). Collection method: clinical testing. Allele origin: germline. Affected: yes.
Comment: This variant is considered likely benign or benign based on one or more of the following criteria: it is a conservative change, it occurs at a poorly conserved position in the protein, it is predicted to be benign by multiple in silico algorithms, and/or has population frequency not consistent with disease.

NM_004046.6(ATP5F1A):c.310-228A>G

Gene: ATP5F1A (ATP synthase F1 subunit alpha; minus strand). Cytogenetic location: 18q21.1.
Variant type: single nucleotide variant.
Coding change: c.310-228A>G on transcript NM_004046.6 (MANE Select); 228 bases into the intron before coding-DNA position 310, A replaced by G.
Molecular consequence: intron variant.
Genome position (GRCh38, 1-based): chr18:46,090,224, T>C on the plus strand (A>G on the coding strand, the complement: ATP5F1A is on the minus strand). VCF-style: chr18-46090224-T-C. GRCh37 (hg19) VCF-style: chr18-43670190-T-C.
Other names: c.310-228A>G (NM_001001937.2, NM_001257334.2); c.160-228A>G (NM_001001935.3, NM_001257335.2).
Identifiers: ClinVar variation 683326 (VCV000683326.1), dbSNP rs1800637, ClinGen allele CA15919085.